The following is an entry in ClinVar:

ClinVar aggregate classification (germline): Likely pathogenic. Review status: reviewed by expert panel (3 of 4 stars). 7 submissions from 7 submitters: Likely pathogenic (1). 6 of the submissions do not count toward it. Last evaluated 2025-11-11.

Conditions:
Hereditary cancer-predisposing syndrome. Also called: Hereditary Cancer Syndrome; Tumor predisposition; Hereditary neoplastic syndrome; Neoplastic Syndromes, Hereditary. Identifiers: Orphanet 140162, MedGen C0027672, MeSH D009386, MONDO:0015356.
ATM-related cancer predisposition. Also called: ATM-related cancer susceptibility. Identifiers: MedGen CN377759, MONDO:0700270.
Familial cancer of breast. Also called: Hereditary breast cancer; BREAST CANCER, FAMILIAL; hereditary breast carcinoma. Identifiers: Orphanet 227535, MedGen C0346153, MONDO:0016419, OMIM 114480. Disease mechanism: loss of function.
Ataxia-telangiectasia syndrome (AT). Also called: Ataxia telangiectasia (A-T); Cerebello-oculocutaneous telangiectasia; Immunodeficiency with ataxia telangiectasia; LOUIS-BAR SYNDROME; ATAXIA-TELANGIECTASIA, COMPLEMENTATION GROUP A; ATAXIA-TELANGIECTASIA, FRESNO VARIANT. Identifiers: Orphanet 100, MedGen C0004135, MONDO:0008840, OMIM 208900.

Submissions (7):

ClinGen Hereditary Breast, Ovarian and Pancreatic Cancer Variant Curation Expert Panel, ClinGen
Classification: Likely pathogenic for ATM-related cancer predisposition. Last evaluated: 2025-11-11. Review status: reviewed by expert panel. Criteria: ClinGen HBOP ACMG Specifications ATM V1.3.0. Collection method: curation. Allele origin: germline. Inheritance: Autosomal dominant inheritance.
Comment: The c.2466+5G>C variant in ATM occurs within a splice donor region. It is predicted to cause skipping of biologically-relevant-exon, resulting in an in-frame of frame deletion (removes amino acids 793-822) that is predicted to escape nonsense mediated decay. This prediction is confirmed by RNA studies (Ambry internal data). This variant has been identified in at least one individual with Ataxia-Telangiectasia (DOI:10.37897/RJN.2021.2.11). This variant is absent from gnomAD v.4.1.0. In summary, this variant meets the criteria to be classified as likely pathogenic for autosomal dominant ATM-related cancer predisposition and autosomal recessive Ataxia-Telangiectasia based on the ACMG/AMP criteria applied as specified by the HBOP VCEP. (PVS1_Strong[RNA], PM3_Supporting, PM2_Supporting)

Ambry Genetics
Classification: Likely pathogenic for Hereditary cancer-predisposing syndrome. Last evaluated: 2026-04-27. Review status: criteria provided, single submitter. Criteria: Ambry Variant Classification Scheme 2023. Collection method: clinical testing. Allele origin: germline. Not counted in ClinVar's aggregate classification.
Comment: The c.2466+5G>C intronic variant results from a G to C substitution 5 nucleotides after coding exon 15 in the ATM gene. This alteration was reported in an individual diagnosed with ataxia telangiectasia (A-T) (Villagaray-Pacheco et al. Ro J Neurol, 2021;20-2). In addition, another alteration impacting the same donor site (c.2466+1delG) has been detected in trans with a second ATM alteration in an individual diagnosed with A-T (Cavalieri S et al. Ann Hum Genet, 2008 Jan;72:10-8). This variant is considered to be rare based on population cohorts in the Genome Aggregation Database (gnomAD). This nucleotide position is highly conserved in available vertebrate species. In silico splice site analysis predicts that this alteration will weaken the native splice donor site. RNA studies have demonstrated that this alteration results in abnormal splicing in the set of samples tested (Ambry internal data). Based on the majority of available evidence to date, this variant is likely to be pathogenic.

Labcorp Genetics (formerly Invitae), Labcorp
Classification: Uncertain significance for Ataxia-telangiectasia syndrome. Last evaluated: 2025-07-21. Review status: criteria provided, single submitter. Criteria: Invitae Variant Classification Sherloc (09022015). Collection method: clinical testing. Allele origin: germline. Not counted in ClinVar's aggregate classification.
Comment: This sequence change falls in intron 16 of the ATM gene. It does not directly change the encoded amino acid sequence of the ATM protein. It affects a nucleotide within the consensus splice site. This variant is not present in population databases (gnomAD no frequency). This variant has not been reported in the literature in individuals affected with ATM-related conditions. ClinVar contains an entry for this variant (Variation ID: 422744). Variants that disrupt the consensus splice site are a relatively common cause of aberrant splicing (PMID: 17576681, 9536098). Algorithms developed to predict the effect of sequence changes on RNA splicing suggest that this variant may disrupt the consensus splice site. In summary, the available evidence is currently insufficient to determine the role of this variant in disease. Therefore, it has been classified as a Variant of Uncertain Significance.

Fulgent Genetics
Classification: Likely pathogenic for Familial cancer of breast; Ataxia-telangiectasia syndrome. Last evaluated: 2024-02-26. Review status: criteria provided, single submitter. Criteria: ACMG Guidelines, 2015. Collection method: clinical testing. Allele origin: germline. Not counted in ClinVar's aggregate classification.

Color Diagnostics, LLC DBA Color Health
Classification: Uncertain significance for Hereditary cancer-predisposing syndrome. Last evaluated: 2023-01-30. Review status: criteria provided, single submitter. Criteria: ACMG Guidelines, 2015. Collection method: clinical testing. Allele origin: germline. Not counted in ClinVar's aggregate classification.
Comment: This variant causes a G to C nucleotide substitution at the +5 position of intron 16 of the ATM gene. Splice site prediction tools predict that this variant may have a significant impact on RNA splicing. This variant has been reported to impact RNA splicing by an external laboratory, however, detailed data are not available for review (ClinVar SCV001176476.3). This variant has been reported in trans with a variant of uncertain significance in an individual affected with ataxia-telangiectasia (DOI:10.37897/RJN.2021.2.11). This variant has not been identified in the general population by the Genome Aggregation Database (gnomAD). The available evidence is insufficient to determine the role of this variant in disease conclusively. Therefore, this variant is classified as a Variant of Uncertain Significance.

GeneDx
Classification: Uncertain significance. Last evaluated: 2022-03-30. Review status: criteria provided, single submitter. Criteria: GeneDx Variant Classification Process June 2021. Collection method: clinical testing. Allele origin: germline. Affected: yes. Not counted in ClinVar's aggregate classification.
Comment: Intronic +5 splice site variant in a gene for which loss of function is a known mechanism of disease, and splice predictors support a deleterious effect; Not observed at significant frequency in large population cohorts (gnomAD); Observed in a patient with ataxia telangiectasia with a second variant but it is not known whether the variants occurred on the same (in cis) or on different (in trans) chromosomes (Villagaray-Pacheco et al., 2021)

Natera, Inc.
Classification: Uncertain significance for Ataxia-telangiectasia. Last evaluated: 2025-01-20. Review status: no assertion criteria provided. Collection method: clinical testing. Allele origin: germline. Not counted in ClinVar's aggregate classification.

Literature cited by the submitters: PubMed 17910737 (cited by Ambry Genetics); PubMed 8845835 (cited by Ambry Genetics); PubMed 17576681 (cited by Labcorp Genetics (formerly Invitae), Labcorp); PubMed 9536098 (cited by Labcorp Genetics (formerly Invitae), Labcorp).

NM_000051.4(ATM):c.2466+5G>C

Gene: ATM (ATM serine/threonine kinase; plus strand). Cytogenetic location: 11q22.3.
Variant type: single nucleotide variant.
Coding change: c.2466+5G>C on transcript NM_000051.4 (MANE Select); 5 bases into the intron after coding-DNA position 2466, G replaced by C.
Molecular consequence: intron variant.
Genome position (GRCh38, 1-based): chr11:108,259,080, G>C. VCF-style: chr11-108259080-G-C. GRCh37 (hg19) VCF-style: chr11-108129807-G-C.
Other names: c.2466+5G>C (NM_001351834.2).
Identifiers: ClinVar variation 422744 (VCV000422744.25), dbSNP rs1064795969, ClinGen allele CA16619140.